The following is an entry in ClinVar:

ClinVar aggregate classification (germline): Conflicting classifications of pathogenicity. Review status: criteria provided, conflicting classifications (1 of 4 stars). 5 submissions from 5 submitters: Uncertain significance (2); Benign (1); Likely benign (2). Last evaluated 2025-08-21.

Conditions:
Marfan syndrome (MFS). Also called: Marfan syndrome, classic; FBN1-Related Marfan Syndrome; Marfan syndrome type 1; Marfan's syndrome; MARFAN SYNDROME, TYPE I. Identifiers: Orphanet 284963, Orphanet 558, MedGen C0024796, MONDO:0007947, OMIM 154700.
Familial thoracic aortic aneurysm and aortic dissection (TAAD). Also called: Thoracic aortic aneurysms and dissections. Identifiers: Orphanet 91387, MedGen C4707243, MONDO:0019625.

Allele frequency attached by ClinVar (database versions not stated): gnomAD 0.00006 and 0.00005; 1000 Genomes Project 0.00020; TOPMed 0.00007; 1000 Genomes Project 30x 0.00016; gnomAD exomes 0.00001.
gnomAD v4.1: 23 of 1,614,148 alleles (0.0014%); highest among the groups gnomAD compares: African/African-American, 0.013%; no homozygotes.

Submissions (5):

Labcorp Genetics (formerly Invitae), Labcorp
Classification: Benign for Marfan syndrome; Familial thoracic aortic aneurysm and aortic dissection. Last evaluated: 2025-08-21. Review status: criteria provided, single submitter. Criteria: Invitae Variant Classification Sherloc (09022015). Collection method: clinical testing. Allele origin: germline.

Ambry Genetics
Classification: Uncertain significance for Familial thoracic aortic aneurysm and aortic dissection. Last evaluated: 2024-08-15. Review status: criteria provided, single submitter. Criteria: Ambry Variant Classification Scheme 2023. Collection method: clinical testing. Allele origin: germline.
Comment: The p.E1005K variant (also known as c.3013G>A), located in coding exon 24 of the FBN1 gene, results from a G to A substitution at nucleotide position 3013. The glutamic acid at codon 1005 is replaced by lysine, an amino acid with similar properties. This amino acid position is not well conserved in available vertebrate species. In addition, this alteration is predicted to be tolerated by in silico analysis. Based on the available evidence, the clinical significance of this variant remains unclear.

All of Us Research Program, National Institutes of Health
Classification: Likely benign for Marfan syndrome. Last evaluated: 2024-03-24. Review status: criteria provided, single submitter. Criteria: ACMG Guidelines, 2015. Collection method: clinical testing. Allele origin: germline. Inheritance: Autosomal dominant inheritance. Observed: 3 variant alleles, 3 heterozygotes.
Comment: This study involves interpretation of variants in research participants for the purpose of population health screening. Participant phenotype was not available at the time of variant classification. Additional details can be found in publication PMID: 35346344, PMCID: PMC8962531

Color Diagnostics, LLC DBA Color Health
Classification: Likely benign for Familial thoracic aortic aneurysm and aortic dissection. Last evaluated: 2024-03-21. Review status: criteria provided, single submitter. Criteria: ACMG Guidelines, 2015. Collection method: clinical testing. Allele origin: germline.

GeneDx
Classification: Uncertain significance. Last evaluated: 2022-10-03. Review status: criteria provided, single submitter. Criteria: GeneDx Variant Classification Process June 2021. Collection method: clinical testing. Allele origin: germline. Affected: yes.
Comment: Not observed at significant frequency in large population cohorts (gnomAD); In silico analysis supports that this missense variant does not alter protein structure/function; Has not been previously published as pathogenic or benign to our knowledge; Does not affect a cysteine residue within a calcium-binding EGF-like domain or a TGF-binding protein domain of the FBN1 gene; cysteine substitutions in the calcium-binding EGF-like domains represent the majority of pathogenic missense changes associated with FBN1-related disorders (Collod-Beroud et al., 2003); This variant is associated with the following publications: (PMID: 12938084)

NM_000138.5(FBN1):c.3013G>A (p.Glu1005Lys)

Gene: FBN1 (fibrillin 1; minus strand). Cytogenetic location: 15q21.1.
Variant type: single nucleotide variant.
Coding change: c.3013G>A on transcript NM_000138.5 (MANE Select); coding-DNA position 3013, G replaced by A.
Protein change: p.Glu1005Lys; replaces glutamic acid 1005 with lysine.
Molecular consequence: missense variant.
Genome position (GRCh38, 1-based): chr15:48,489,920, C>T on the plus strand (G>A on the coding strand, the complement: FBN1 is on the minus strand). VCF-style: chr15-48489920-C-T. GRCh37 (hg19) VCF-style: chr15-48782117-C-T.
Other names: p.E1005K:GAG>AAG; short protein forms E1005K.
Identifiers: ClinVar variation 200009 (VCV000200009.16), dbSNP rs564713154, ClinGen allele CA013651.